The following is an entry in ClinVar:

NM_000257.4(MYH7):c.2028T>C (p.Asn676=)

Gene: MYH7 (myosin heavy chain 7; minus strand). Cytogenetic location: 14q11.2.
Variant type: single nucleotide variant.
Coding change: c.2028T>C on transcript NM_000257.4 (MANE Select); coding-DNA position 2028, T replaced by C.
Protein change: p.Asn676=; no amino-acid change (asparagine 676 retained).
Molecular consequence: synonymous variant.
Genome position (GRCh38, 1-based): chr14:23,426,793, A>G on the plus strand (T>C on the coding strand, the complement: MYH7 is on the minus strand). VCF-style: chr14-23426793-A-G. GRCh37 (hg19) VCF-style: chr14-23896002-A-G.
Other names: c.2028T>C (LRG_384t1).
Identifiers: ClinVar variation 312910 (VCV000312910.25), dbSNP rs145564868, ClinGen allele CA030827.

ClinVar aggregate classification (germline): Conflicting classifications of pathogenicity. Review status: criteria provided, conflicting classifications (1 of 4 stars). 9 submissions from 7 submitters: Uncertain significance (2); Likely benign (7). Last evaluated 2026-09-21.

Conditions:
Cardiovascular phenotype. Identifiers: MedGen CN230736.
Hypertrophic cardiomyopathy 1 (CMH1). Also called: MYH7-Related Familial Hypertrophic Cardiomyopathy; Familial hypertrophic cardiomyopathy 1. Identifiers: MedGen C3495498, MONDO:0008647, OMIM 192600.
MYH7-related skeletal myopathy. Also called: Myopathy, distal, 1; MYOPATHY, DISTAL, EARLY-ONSET, AUTOSOMAL DOMINANT; MYOPATHY, LATE DISTAL HEREDITARY; Laing distal myopathy; Laing early-onset distal myopathy. Identifiers: Orphanet 59135, MedGen C4552004, MONDO:0008050, OMIM 160500.
Hypertrophic cardiomyopathy. Also called: HYPERTROPHIC MYOCARDIOPATHY. Identifiers: Orphanet 217569, MedGen C0007194, MeSH D002312, MONDO:0005045, HP:0001639.
Cardiomyopathy (CMYO). Also called: Cardiomyopathies. Identifiers: Orphanet 167848, MedGen C0878544, MONDO:0004994, HP:0001638. Inheritance: Various modes of inheritance.
Myosin storage myopathy (CMYO7A). Also called: Scapuloperoneal myopathy, MYH7-related; MYOPATHY, HYALINE BODY, AUTOSOMAL DOMINANT; MYOPATHY WITH LYSIS OF TYPE I MYOFIBRILS; SCAPULOPERONEAL MUSCULAR DYSTROPHY; SCAPULOPERONEAL SYNDROME, MYOPATHIC TYPE; MYH7-related late-onset scapuloperoneal muscular dystrophy. Identifiers: Orphanet 437572, Orphanet 636965, MedGen C1842160, MONDO:0008409, OMIM 608358.

Allele frequency attached by ClinVar (database versions not stated): gnomAD exomes 0.00002 and 0.00005; gnomAD 0.00006; TOPMed 0.00006; ExAC 0.00004; ESP Exome Variant Server 0.00015.
gnomAD v4.1: 86 of 1,614,218 alleles (0.0053%); highest among the groups gnomAD compares: Middle Eastern, 0.016%; no homozygotes.

Submissions (9):

Molecular Diagnostic Laboratory for Inherited Cardiovascular Disease, Montreal Heart Institute
Classification: Likely benign. Last evaluated: 2026-09-21. Review status: criteria provided, single submitter. Criteria: ACMG Guidelines, 2015. Collection method: clinical testing. Allele origin: germline. Affected: no.
Comment: BP7

Labcorp Genetics (formerly Invitae), Labcorp
Classification: Likely benign for Hypertrophic cardiomyopathy. Last evaluated: 2025-12-16. Review status: criteria provided, single submitter. Criteria: Invitae Variant Classification Sherloc (09022015). Collection method: clinical testing. Allele origin: germline.

Blueprint Genetics
Classification: Likely benign. Last evaluated: 2024-10-03. Review status: criteria provided, single submitter. Criteria: ACMG Guidelines, 2015. Collection method: clinical testing. Allele origin: germline.

CHEO Genetics Diagnostic Laboratory, Children's Hospital of Eastern Ontario
Classification: Likely benign for Cardiomyopathy. Last evaluated: 2022-11-25. Review status: criteria provided, single submitter. Criteria: ACMG Guidelines, 2015. Collection method: clinical testing. Allele origin: germline.

Ambry Genetics
Classification: Likely benign for Cardiovascular phenotype. Last evaluated: 2022-05-06. Review status: criteria provided, single submitter. Criteria: Ambry Variant Classification Scheme 2023. Collection method: clinical testing. Allele origin: germline.

Color Diagnostics, LLC DBA Color Health
Classification: Likely benign for Cardiomyopathy. Last evaluated: 2018-10-21. Review status: criteria provided, single submitter. Criteria: ACMG Guidelines, 2015. Collection method: clinical testing. Allele origin: germline.

Illumina Laboratory Services, Illumina
Classification: Uncertain significance for Myosin storage myopathy. Last evaluated: 2018-01-12. Review status: criteria provided, single submitter. Criteria: ICSL Variant Classification Criteria 13 December 2019. Collection method: clinical testing. Allele origin: germline.

Illumina Laboratory Services, Illumina
Classification: Uncertain significance for Hypertrophic cardiomyopathy 1. Last evaluated: 2018-01-12. Review status: criteria provided, single submitter. Criteria: ICSL Variant Classification Criteria 13 December 2019. Collection method: clinical testing. Allele origin: germline.

Illumina Laboratory Services, Illumina
Classification: Likely benign for MYH7-related skeletal myopathy. Last evaluated: 2018-01-12. Review status: criteria provided, single submitter. Criteria: ICSL Variant Classification Criteria 13 December 2019. Collection method: clinical testing. Allele origin: germline.
Comment: This variant was observed in the ICSL laboratory as part of a predisposition screen in an ostensibly healthy population. It had not been previously curated by ICSL or reported in the Human Gene Mutation Database (HGMD: prior to June 1st, 2018), and was therefore a candidate for classification through an automated scoring system. Utilizing variant allele frequency, disease prevalence and penetrance estimates, and inheritance mode, an automated score was calculated to assess if this variant is too frequent to cause the disease. Based on the score and internal cut-off values, a variant classified as likely benign is not then subjected to further curation. The score for this variant resulted in a classification of likely benign for this disease.